The following is an entry in ClinVar:

ClinVar aggregate classification (germline): Pathogenic (1 of 4 stars; one submission).

Submission:

CeGaT Center for Human Genetics Tuebingen
Classification: Pathogenic. Last evaluated: 2025-06-01. Review status: criteria provided, single submitter. Criteria: CeGaT Center For Human Genetics Tuebingen Variant Classification Criteria Version 2. Collection method: clinical testing. Allele origin: germline. Affected: yes. Observed: 1 variant allele.
Comment: PUF60: PVS1, PM2

NM_078480.3(PUF60):c.894_895dup (p.Val299fs)

Gene: PUF60 (poly(U) binding splicing factor 60; minus strand). Cytogenetic location: 8q24.3.
Variant type: Duplication.
Coding change: c.894_895dup on transcript NM_078480.3 (MANE Select); coding-DNA positions 894 to 895, 2 bases duplicated (GG; older notation c.894_895dupGG).
Protein change: p.Val299fs; shifts the reading frame from valine 299.
Molecular consequence: frameshift variant.
Genome position (GRCh38, 1-based): chr8:143,817,705-143,817,706, CC duplicated on the plus strand (GG on the coding strand, the reverse complement: PUF60 is on the minus strand); duplicating any 2 consecutive bases within chr8:143,817,705-143,817,707 gives the same sequence; the c. name uses the placement nearest the transcript's 3' end. VCF-style (leftmost placement, unchanged base first): chr8-143817704-A-ACC. GRCh37 (hg19) VCF-style: chr8-144899874-A-ACC.
Other names: c.765_766dup, p.Val256fs (NM_001136033.3); c.840_841dup, p.Val281fs (NM_001271096.2); c.756_757dup, p.Val253fs (NM_001271097.2); c.891_892dup, p.Val298fs (NM_001271098.2); c.807_808dup, p.Val270fs (NM_001271099.2); c.714_715dup, p.Val239fs (NM_001271100.2); c.1005_1006dup, p.Val336fs (NM_001362895.2, NM_001362896.2); c.954_955dup, p.Val319fs (NM_001362897.2); and 1 more; short protein forms V239fs, V253fs, V256fs, V270fs, V281fs, V282fs, V298fs, V299fs.
Identifiers: ClinVar variation 4085253 (VCV004085253.8).